The following is an entry in ClinVar:

ClinVar aggregate classification (germline): Uncertain significance. Review status: criteria provided, multiple submitters, no conflicts (2 of 4 stars). 3 submissions from 3 submitters: Uncertain significance (3). Last evaluated 2023-10-01.

Conditions:
Nephronophthisis. Also called: Juvenile Nephronophthisis. Identifiers: Orphanet 655, MedGen C0687120, MONDO:0019005, HP:0000090.
Meckel-Gruber syndrome. Also called: DYSENCEPHALIA SPLANCHNOCYSTICA; GRUBER SYNDROME; Dysencephalia splachnocystica. Identifiers: Orphanet 564, MedGen C0265215, MONDO:0018921.
Joubert syndrome. Also called: CEREBELLOPARENCHYMAL DISORDER IV; JOUBERT-BOLTSHAUSER SYNDROME; Familial aplasia of the vermis. Identifiers: Orphanet 475, MedGen C5979921, MONDO:0018772.
Retinal dystrophy. Also called: Inherited retinal dystrophy. Identifiers: Orphanet 71862, MedGen C0854723, MeSH D058499, MONDO:0019118, HP:0000556.
CEP290-related ciliopathy. Also called: CEP290 ciliopathy. Identifiers: MedGen CN305601, MONDO:0100451.

Allele frequency attached by ClinVar (database versions not stated): TOPMed below 0.00001; gnomAD 0.00001; gnomAD exomes 0.00002.
gnomAD v4.1: 12 of 1,608,502 alleles (0.00075%); highest among the groups gnomAD compares: East Asian, 0.025%; no homozygotes.

Submissions (3):

Dept Of Ophthalmology, Nagoya University
Classification: Uncertain significance for Retinal dystrophy. Last evaluated: 2023-10-01. Review status: criteria provided, single submitter. Criteria: Submitter's publication. Collection method: research. Allele origin: germline. Affected: yes.

Labcorp Genetics (formerly Invitae), Labcorp
Classification: Uncertain significance for Joubert syndrome; Meckel-Gruber syndrome; Nephronophthisis. Last evaluated: 2022-09-13. Review status: criteria provided, single submitter. Criteria: Invitae Variant Classification Sherloc (09022015). Collection method: clinical testing. Allele origin: germline.
Comment: This sequence change replaces valine, which is neutral and non-polar, with alanine, which is neutral and non-polar, at codon 1150 of the CEP290 protein (p.Val1150Ala). This variant is not present in population databases (gnomAD no frequency). This variant has not been reported in the literature in individuals affected with CEP290-related conditions. ClinVar contains an entry for this variant (Variation ID: 1482757). Advanced modeling of protein sequence and biophysical properties (such as structural, functional, and spatial information, amino acid conservation, physicochemical variation, residue mobility, and thermodynamic stability) performed at Invitae indicates that this missense variant is not expected to disrupt CEP290 protein function. In summary, the available evidence is currently insufficient to determine the role of this variant in disease. Therefore, it has been classified as a Variant of Uncertain Significance.

Department of Pathology and Laboratory Medicine, Sinai Health System
Classification: Uncertain significance for CEP290-related ciliopathy. Last evaluated: 2022-06-23. Review status: criteria provided, single submitter. Criteria: ACMG Guidelines, 2015. Collection method: research. Allele origin: germline.

NM_025114.4(CEP290):c.3449T>C (p.Val1150Ala)

Gene: CEP290 (centrosomal protein 290; minus strand). Cytogenetic location: 12q21.32.
Variant type: single nucleotide variant.
Coding change: c.3449T>C on transcript NM_025114.4 (MANE Select); coding-DNA position 3449, T replaced by C.
Protein change: p.Val1150Ala; replaces valine 1150 with alanine.
Molecular consequence: missense variant.
Genome position (GRCh38, 1-based): chr12:88,092,693, A>G on the plus strand (T>C on the coding strand, the complement: CEP290 is on the minus strand). VCF-style: chr12-88092693-A-G. GRCh37 (hg19) VCF-style: chr12-88486470-A-G.
Other names: short protein forms V1150A.
Identifiers: ClinVar variation 1482757 (VCV001482757.7), dbSNP rs2037141100, ClinGen allele CA386003781.